The following is an entry in ClinVar:

ClinVar aggregate classification (germline): Conflicting classifications of pathogenicity. Review status: criteria provided, conflicting classifications (1 of 4 stars). 2 submissions from 2 submitters: Uncertain significance (1); Likely benign (1). Last evaluated 2023-09-06.

Conditions:
Inborn genetic diseases. Identifiers: MedGen C0950123, MeSH D030342.
Wilson disease (WND). Also called: Wilson's disease. Identifiers: Orphanet 905, MedGen C0019202, MONDO:0010200, OMIM 277900. Disease mechanism: loss of function.

gnomAD v4.1: 3 of 1,614,124 alleles (0.00019%); highest among the groups gnomAD compares: Non-Finnish European, 0.00025%; no homozygotes.

Submissions (2):

Ambry Genetics
Classification: Likely benign for Inborn genetic diseases. Last evaluated: 2023-09-06. Review status: criteria provided, single submitter. Criteria: Ambry Variant Classification Scheme 2023. Collection method: clinical testing. Allele origin: germline.

Labcorp Genetics (formerly Invitae), Labcorp
Classification: Uncertain significance for Wilson disease. Last evaluated: 2022-05-29. Review status: criteria provided, single submitter. Criteria: Invitae Variant Classification Sherloc (09022015). Collection method: clinical testing. Allele origin: germline.
Comment: This sequence change replaces methionine, which is neutral and non-polar, with leucine, which is neutral and non-polar, at codon 380 of the ATP7B protein (p.Met380Leu). This variant is not present in population databases (gnomAD no frequency). This variant has not been reported in the literature in individuals affected with ATP7B-related conditions. Advanced modeling of protein sequence and biophysical properties (such as structural, functional, and spatial information, amino acid conservation, physicochemical variation, residue mobility, and thermodynamic stability) performed at Invitae indicates that this missense variant is not expected to disrupt ATP7B protein function. In summary, the available evidence is currently insufficient to determine the role of this variant in disease. Therefore, it has been classified as a Variant of Uncertain Significance.

NM_000053.4(ATP7B):c.1138A>C (p.Met380Leu)

Gene: ATP7B (ATPase copper transporting beta; minus strand). Cytogenetic location: 13q14.3.
Variant type: single nucleotide variant.
Coding change: c.1138A>C on transcript NM_000053.4 (MANE Select); coding-DNA position 1138, A replaced by C.
Protein change: p.Met380Leu; replaces methionine 380 with leucine.
Molecular consequence: missense variant.
Genome position (GRCh38, 1-based): chr13:51,974,082, T>G on the plus strand (A>C on the coding strand, the complement: ATP7B is on the minus strand). VCF-style: chr13-51974082-T-G. GRCh37 (hg19) VCF-style: chr13-52548218-T-G.
Other names: c.1138A>C (NM_000053.3); c.1138A>C, p.Met380Leu (NM_001005918.3, NM_001330578.2, NM_001330579.2 and 29 more transcripts); c.805A>C, p.Met269Leu (NM_001243182.2); c.1042A>C, p.Met348Leu (NM_001406517.1, NM_001406518.1, NM_001406543.1 and 3 more transcripts); c.709A>C, p.Met237Leu (NM_001406539.1); short protein forms M348L, M380L, M237L, M269L.
Identifiers: ClinVar variation 2127867 (VCV002127867.6), dbSNP rs770175227, ClinGen allele CA388038792.
Genomic context (GRCh38, chr13:51,974,082, plus strand): 5'-TTGCAGTCCCTTCGGCCAAAGACACCGATATTTGCTGCACCCCTTCCAGTTGGGAGATCA[T>G]GCCTTCAATGGAATGGACACAGGATGCACAGGTCATGCCGGCAATGGCAATCAGAGTGGT-3'
Protein context (NP_000044.2, residues 370-390): CASCVHSIEG[Met380Leu]ISQLEGVQQI